The following is an entry in ClinVar:

ClinVar aggregate classification (germline): Uncertain significance. Review status: criteria provided, multiple submitters, no conflicts (2 of 4 stars). 3 submissions from 3 submitters: Uncertain significance (3). Last evaluated 2024-12-09.

Conditions:
Polycystic kidney disease, adult type (PKD1). Also called: POLYCYSTIC KIDNEY DISEASE, ADULT, TYPE I; Polycystic Kidney, Autosomal Dominant; Polycystic Kidney Disease 1, Autosomal Dominant; Polycystic kidney disease 1; Polycystic kidney disease 1, severe; POLYCYSTIC KIDNEY DISEASE 1 WITH OR WITHOUT POLYCYSTIC LIVER DISEASE. Identifiers: MedGen C3149841, MONDO:0008263, OMIM 173900.
PKD1-related disorder. Also called: PKD1-related condition.

Allele frequency attached by ClinVar (database versions not stated): TOPMed 0.00001.
gnomAD v4.1: 2 of 1,610,452 alleles (0.00012%); no homozygotes.

Submissions (3):

PreventionGenetics, part of Exact Sciences
Classification: Uncertain significance for PKD1-related condition. Last evaluated: 2024-12-09. Review status: criteria provided, single submitter. Criteria: ACMG Guidelines, 2015. Collection method: clinical testing. Allele origin: germline.
Comment: The PKD1 c.4187A>T variant is predicted to result in the amino acid substitution p.Asp1396Val. To our knowledge, this variant has not been reported in the literature or in a large population database (gnomAD), indicating this variant is rare. At this time, the clinical significance of this variant is uncertain due to the absence of conclusive functional and genetic evidence.

Fulgent Genetics
Classification: Uncertain significance for Polycystic kidney disease, adult type. Last evaluated: 2023-12-21. Review status: criteria provided, single submitter. Criteria: ACMG Guidelines, 2015. Collection method: clinical testing. Allele origin: germline.

Blueprint Genetics
Classification: Uncertain significance. Last evaluated: 2018-08-21. Review status: criteria provided, single submitter. Criteria: ACMG Guidelines, 2015. Collection method: clinical testing. Allele origin: germline.

NM_001009944.3(PKD1):c.4187A>T (p.Asp1396Val)

Gene: PKD1 (polycystin 1, transient receptor potential channel interacting; minus strand). Cytogenetic location: 16p13.3.
Variant type: single nucleotide variant.
Coding change: c.4187A>T on transcript NM_001009944.3 (MANE Select); coding-DNA position 4187, A replaced by T.
Protein change: p.Asp1396Val; replaces aspartic acid 1396 with valine.
Molecular consequence: missense variant.
Genome position (GRCh38, 1-based): chr16:2,110,980, T>A on the plus strand (A>T on the coding strand, the complement: PKD1 is on the minus strand). VCF-style: chr16-2110980-T-A. GRCh37 (hg19) VCF-style: chr16-2160981-T-A.
Other names: c.4187A>T, p.Asp1396Val (NM_000296.4); short protein forms D1396V.
Identifiers: ClinVar variation 636758 (VCV000636758.4), dbSNP rs1413875287, ClinGen allele CA394381258.